The following is an entry in ClinVar:

ClinVar aggregate classification (germline): Uncertain significance (1 of 4 stars; one submission).

Submission:

Labcorp Genetics (formerly Invitae), Labcorp
Classification: Uncertain significance. Last evaluated: 2025-01-20. Review status: criteria provided, single submitter. Criteria: Invitae Variant Classification Sherloc (09022015). Collection method: clinical testing. Allele origin: germline.
Comment: This sequence change replaces proline, which is neutral and non-polar, with threonine, which is neutral and polar, at codon 321 of the RELA protein (p.Pro321Thr). This variant is not present in population databases (gnomAD no frequency). This variant has not been reported in the literature in individuals affected with RELA-related conditions. An algorithm developed to predict the effect of missense changes on protein structure and function (PolyPhen-2) suggests that this variant is likely to be tolerated. In summary, the available evidence is currently insufficient to determine the role of this variant in disease. Therefore, it has been classified as a Variant of Uncertain Significance.

NM_021975.4(RELA):c.961C>A (p.Pro321Thr)

Gene: RELA (RELA proto-oncogene, NF-kB subunit; minus strand). Cytogenetic location: 11q13.1.
Variant type: single nucleotide variant.
Coding change: c.961C>A on transcript NM_021975.4 (MANE Select); coding-DNA position 961, C replaced by A.
Protein change: p.Pro321Thr; replaces proline 321 with threonine.
Molecular consequence: missense variant.
Genome position (GRCh38, 1-based): chr11:65,655,760, G>T on the plus strand (C>A on the coding strand, the complement: RELA is on the minus strand). VCF-style: chr11-65655760-G-T. GRCh37 (hg19) VCF-style: chr11-65423231-G-T.
Other names: c.952C>A, p.Pro318Thr (NM_001145138.2); c.961C>A, p.Pro321Thr (NM_001243984.2, NM_001243985.2); c.994C>A, p.Pro332Thr (NM_001404657.1); c.934C>A, p.Pro312Thr (NM_001404658.1); c.748C>A, p.Pro250Thr (NM_001404659.1); c.643C>A, p.Pro215Thr (NM_001404660.1); c.580C>A, p.Pro194Thr (NM_001404661.1); c.868C>A, p.Pro290Thr (NM_001404662.1, NM_001404663.1); short protein forms P312T, P194T, P215T, P290T, P321T, P250T, P318T, P332T.
Identifiers: ClinVar variation 3729217 (VCV003729217.2).